The following is an entry in ClinVar:

NM_004369.4(COL6A3):c.6533C>G (p.Pro2178Arg)

Gene: COL6A3 (collagen type VI alpha 3 chain; minus strand). Cytogenetic location: 2q37.3.
Variant type: single nucleotide variant.
Coding change: c.6533C>G on transcript NM_004369.4 (MANE Select); coding-DNA position 6533, C replaced by G.
Protein change: p.Pro2178Arg; replaces proline 2178 with arginine.
Molecular consequence: missense variant.
Genome position (GRCh38, 1-based): chr2:237,357,821, G>C on the plus strand (C>G on the coding strand, the complement: COL6A3 is on the minus strand). VCF-style: chr2-237357821-G-C. GRCh37 (hg19) VCF-style: chr2-238266464-G-C.
Other names: c.4712C>G, p.Pro1571Arg (NM_057166.5); c.5915C>G, p.Pro1972Arg (NM_057167.4); short protein forms P2178R, P1972R, P1571R.
Identifiers: ClinVar variation 281983 (VCV000281983.10), dbSNP rs762287373, ClinGen allele CA10604025.

ClinVar aggregate classification (germline): Uncertain significance. Review status: criteria provided, multiple submitters, no conflicts (2 of 4 stars). 2 submissions from 2 submitters: Uncertain significance (2). Last evaluated 2022-09-26.

Conditions:
Bethlem myopathy 1A. Also called: Bethlem myopathy 1; MYOPATHY, BENIGN CONGENITAL, WITH CONTRACTURES; Bethlem Muscular Dystrophy. Identifiers: Orphanet 610, MedGen CN029274, MONDO:0024530, OMIM 158810.

Submissions (2):

Labcorp Genetics (formerly Invitae), Labcorp
Classification: Uncertain significance for Bethlem myopathy 1A. Last evaluated: 2022-09-26. Review status: criteria provided, single submitter. Criteria: Invitae Variant Classification Sherloc (09022015). Collection method: clinical testing. Allele origin: germline.
Comment: ClinVar contains an entry for this variant (Variation ID: 281983). Advanced modeling of protein sequence and biophysical properties (such as structural, functional, and spatial information, amino acid conservation, physicochemical variation, residue mobility, and thermodynamic stability) performed at Invitae indicates that this missense variant is not expected to disrupt COL6A3 protein function. In summary, the available evidence is currently insufficient to determine the role of this variant in disease. Therefore, it has been classified as a Variant of Uncertain Significance. This variant is not present in population databases (gnomAD no frequency). This variant has not been reported in the literature in individuals affected with COL6A3-related conditions. This sequence change replaces proline, which is neutral and non-polar, with arginine, which is basic and polar, at codon 2178 of the COL6A3 protein (p.Pro2178Arg).

Eurofins Ntd Llc (ga)
Classification: Uncertain significance. Last evaluated: 2015-07-30. Review status: criteria provided, single submitter. Criteria: EGL Classification Definitions 2015. Collection method: clinical testing. Allele origin: germline. Observed: 1 variant allele, 1 heterozygote.